The following is an entry in ClinVar:

NM_181507.2(HPS5):c.1020G>T (p.Leu340Phe)

Gene: HPS5 (HPS5 biogenesis of lysosomal organelles complex 2 subunit 2; minus strand). Cytogenetic location: 11p15.1.
Variant type: single nucleotide variant.
Coding change: c.1020G>T on transcript NM_181507.2 (MANE Select); coding-DNA position 1020, G replaced by T.
Protein change: p.Leu340Phe; replaces leucine 340 with phenylalanine.
Molecular consequence: missense variant.
Genome position (GRCh38, 1-based): chr11:18,298,936, C>A on the plus strand (G>T on the coding strand, the complement: HPS5 is on the minus strand). VCF-style: chr11-18298936-C-A. GRCh37 (hg19) VCF-style: chr11-18320483-C-A.
Other names: c.678G>T, p.Leu226Phe (NM_181508.2, NM_007216.4); short protein forms L226F, L340F.
Identifiers: ClinVar variation 1492272 (VCV001492272.9), dbSNP rs149512871, ClinGen allele CA5910249.

ClinVar aggregate classification (germline): Uncertain significance. Review status: criteria provided, multiple submitters, no conflicts (2 of 4 stars). 5 submissions from 5 submitters: Uncertain significance (5). Last evaluated 2026-06-22.

Conditions:
Inborn genetic diseases. Identifiers: MedGen C0950123, MeSH D030342.
Hermansky-Pudlak syndrome 5 (HPS5). Identifiers: Orphanet 231512, Orphanet 79430, MedGen C3888004, MONDO:0013557, OMIM 614074.
HPS5-related disorder. Also called: HPS5-related condition.

Allele frequency attached by ClinVar (database versions not stated): gnomAD exomes 0.00010 and 0.00037; ExAC 0.00011; TOPMed 0.00012; gnomAD 0.00013 and 0.00014; ESP Exome Variant Server 0.00023.
gnomAD v4.1: 554 of 1,614,084 alleles (0.034%); highest among the groups gnomAD compares: Non-Finnish European, 0.045%; no homozygotes.

Submissions (5):

PreventionGenetics, part of Exact Sciences
Classification: Uncertain significance for HPS5-related condition. Last evaluated: 2026-06-22. Review status: criteria provided, single submitter. Criteria: ACMG Guidelines, 2015. Collection method: clinical testing. Allele origin: germline.
Comment: The HPS5 c.1020G>T variant is predicted to result in the amino acid substitution p.Leu340Phe. To our knowledge, this variant has not been reported in the literature. This variant is present in 0.020% of alleles in individuals of European (Non-Finnish) descent in gnomAD. At this time, the clinical significance of this variant is uncertain due to the absence of conclusive functional and genetic evidence.

Women's Health and Genetics/Laboratory Corporation of America, LabCorp
Classification: Uncertain significance. Last evaluated: 2025-08-28. Review status: criteria provided, single submitter. Criteria: LabCorp Variant Classification Summary - May 2015. Collection method: clinical testing. Allele origin: germline.
Comment: Variant summary: HPS5 c.1020G>T (p.Leu340Phe) results in a non-conservative amino acid change in the encoded protein sequence. Algorithms developed to predict the effect of missense changes on protein structure and function are either unavailable or do not agree on the potential impact of this missense change. The variant allele was found at a frequency of 9.5e-05 in 251478 control chromosomes (gnomAD). This frequency is not significantly higher than estimated for disease-causing variants in HPS5, allowing no conclusion about variant significance. To our knowledge, no occurrence of c.1020G>T in individuals affected with HPS5-related conditions and no experimental evidence demonstrating its impact on protein function have been reported. ClinVar contains an entry for this variant (Variation ID: 1492272). Based on the evidence outlined above, the variant was classified as uncertain significance.

Ambry Genetics
Classification: Uncertain significance for Inborn genetic diseases. Last evaluated: 2025-04-10. Review status: criteria provided, single submitter. Criteria: Ambry Variant Classification Scheme 2023. Collection method: clinical testing. Allele origin: germline.

Labcorp Genetics (formerly Invitae), Labcorp
Classification: Uncertain significance. Last evaluated: 2022-06-22. Review status: criteria provided, single submitter. Criteria: Invitae Variant Classification Sherloc (09022015). Collection method: clinical testing. Allele origin: germline.
Comment: This sequence change replaces leucine, which is neutral and non-polar, with phenylalanine, which is neutral and non-polar, at codon 340 of the HPS5 protein (p.Leu340Phe). This variant is present in population databases (rs149512871, gnomAD 0.02%). This variant has not been reported in the literature in individuals affected with HPS5-related conditions. Algorithms developed to predict the effect of missense changes on protein structure and function are either unavailable or do not agree on the potential impact of this missense change (SIFT: "Deleterious"; PolyPhen-2: "Probably Damaging"; Align-GVGD: "Class C0"). In summary, the available evidence is currently insufficient to determine the role of this variant in disease. Therefore, it has been classified as a Variant of Uncertain Significance.

Fulgent Genetics
Classification: Uncertain significance for Hermansky-Pudlak syndrome 5. Last evaluated: 2022-02-15. Review status: criteria provided, single submitter. Criteria: ACMG Guidelines, 2015. Collection method: clinical testing. Allele origin: unknown.